The following is an entry in ClinVar:

ClinVar aggregate classification (germline): Uncertain significance (1 of 4 stars; one submission).

Allele frequency attached by ClinVar (database versions not stated): gnomAD 0.00003; TOPMed 0.00003; gnomAD exomes 0.00004; ExAC 0.00007; ESP Exome Variant Server 0.00008.

Submission:

Labcorp Genetics (formerly Invitae), Labcorp
Classification: Uncertain significance. Last evaluated: 2023-08-10. Review status: criteria provided, single submitter. Criteria: Invitae Variant Classification Sherloc (09022015). Collection method: clinical testing. Allele origin: germline.
Comment: The frequency data for this variant in the population databases is considered unreliable, as metrics indicate poor data quality at this position in the gnomAD database. This variant has not been reported in the literature in individuals affected with PRKCSH-related conditions. An algorithm developed to predict the effect of missense changes on protein structure and function (PolyPhen-2) suggests that this variant is likely to be tolerated. In summary, the available evidence is currently insufficient to determine the role of this variant in disease. Therefore, it has been classified as a Variant of Uncertain Significance. This sequence change replaces proline, which is neutral and non-polar, with leucine, which is neutral and non-polar, at codon 347 of the PRKCSH protein (p.Pro347Leu).

NM_001289104.2(PRKCSH):c.1061C>T (p.Pro354Leu)

Gene: PRKCSH (PRKCSH beta subunit of glucosidase II; plus strand). Cytogenetic location: 19p13.2.
Variant type: single nucleotide variant.
Coding change: c.1061C>T on transcript NM_001289104.2 (MANE Select); coding-DNA position 1061, C replaced by T.
Protein change: p.Pro354Leu; replaces proline 354 with leucine.
Molecular consequence: missense variant.
Genome position (GRCh38, 1-based): chr19:11,447,724, C>T. VCF-style: chr19-11447724-C-T. GRCh37 (hg19) VCF-style: chr19-11558539-C-T.
Other names: c.1031C>T, p.Pro344Leu (NM_001001329.3, NM_001289102.2, NM_001379609.1); c.1061C>T, p.Pro354Leu (NM_001289103.2); c.1040C>T, p.Pro347Leu (NM_001379608.1, NM_002743.3); short protein forms P344L, P347L, P354L.
Identifiers: ClinVar variation 2711611 (VCV002711611.3), dbSNP rs147655486, ClinGen allele CA9213136.